The following is an entry in ClinVar:

NM_000400.4(ERCC2):c.594+2_594+5del

Gene: ERCC2 (ERCC excision repair 2, TFIIH core complex helicase subunit; minus strand). Cytogenetic location: 19q13.32.
Variant type: Deletion.
Coding change: c.594+2_594+5del on transcript NM_000400.4 (MANE Select); the canonical splice donor site of the intron after coding-DNA position 594 through 5 bases into the intron after coding-DNA position 594, 4 bases deleted (TGAG; older notation c.594+2_594+5delTGAG).
Molecular consequence: splice donor variant.
Genome position (GRCh38, 1-based): chr19:45,364,833-45,364,836, CTCA deleted on the plus strand (TGAG on the coding strand, the reverse complement: ERCC2 is on the minus strand); deleting any 4 consecutive bases within chr19:45,364,833-45,364,838 gives the same sequence; the c. name uses the placement nearest the transcript's 3' end. VCF-style (leftmost placement, unchanged base first): chr19-45364832-CCTCA-C. GRCh37 (hg19) VCF-style: chr19-45868090-CCTCA-C.
Other names: c.522+2_522+5del (NM_001130867.2); c.594+2_594+5delTGAG (NM_000400.3).
Identifiers: ClinVar variation 402226 (VCV000402226.64), dbSNP rs762309206, ClinGen allele CA9513732.

ClinVar aggregate classification (germline): Pathogenic/Likely pathogenic. Review status: criteria provided, multiple submitters, no conflicts (2 of 4 stars). 12 submissions from 11 submitters: Pathogenic (3); Likely pathogenic (8). 1 of the submissions does not count toward it. Last evaluated 2026-01-18.

Conditions:
Trichothiodystrophy 1, photosensitive (TTD1). Also called: TAY SYNDROME; TRICHOTHIODYSTROPHY WITH CONGENITAL ICHTHYOSIS; PIBIDS SYNDROME. Identifiers: Orphanet 33364, MedGen C1866504, MONDO:0011125, OMIM 601675.
Cerebrooculofacioskeletal syndrome 2 (COFS2). Identifiers: MedGen C1853102, MONDO:0012553, OMIM 610756.
Xeroderma pigmentosum, group D (XPD). Also called: ERCC2-Related Xeroderma Pigmentosum; XERODERMA PIGMENTOSUM IV; XP, GROUP D; XP, GROUP H; XERODERMA PIGMENTOSUM, COMPLEMENTATION GROUP D. Identifiers: MedGen C0268138, MONDO:0010212, OMIM 278730.
ERCC2-related disorder. Also called: ERCC2-related disorders; ERCC2-related conditions; ERCC2-related condition. Identifiers: MedGen CN239291.
Xeroderma pigmentosum (XP). Identifiers: Orphanet 910, MedGen C0043346, MONDO:0019600.

Submissions (12):

Labcorp Genetics (formerly Invitae), Labcorp
Classification: Likely pathogenic. Last evaluated: 2026-01-18. Review status: criteria provided, single submitter. Criteria: Invitae Variant Classification Sherloc (09022015). Collection method: clinical testing. Allele origin: germline.
Comment: This sequence change affects a splice site in intron 7 of the ERCC2 gene. It is expected to disrupt RNA splicing. Variants that disrupt the donor or acceptor splice site typically lead to a loss of protein function (PMID: 16199547), and loss-of-function variants in ERCC2 are known to be pathogenic (PMID: 9238033, 11335038, 19085937, 19934020). This variant is present in population databases (rs762309206, gnomAD 0.04%). Disruption of this splice site has been observed in individual(s) with trichothiodystrophy (PMID: 11734544). ClinVar contains an entry for this variant (Variation ID: 402226). Algorithms developed to predict the effect of sequence changes on RNA splicing suggest that this variant may disrupt the consensus splice site. In summary, the currently available evidence indicates that the variant is pathogenic, but additional data are needed to prove that conclusively. Therefore, this variant has been classified as Likely Pathogenic.

Fulgent Genetics
Classification: Likely pathogenic for Xeroderma pigmentosum, group D; Trichothiodystrophy 1, photosensitive; Cerebrooculofacioskeletal syndrome 2. Last evaluated: 2024-06-18. Review status: criteria provided, single submitter. Criteria: ACMG Guidelines, 2015. Collection method: clinical testing. Allele origin: germline.

GeneDx
Classification: Pathogenic. Last evaluated: 2024-04-30. Review status: criteria provided, single submitter. Criteria: GeneDx Variant Classification Process June 2021. Collection method: clinical testing. Allele origin: germline. Affected: yes.
Comment: Observed in trans with a second ERCC2 variant in an individual with trichothiodystrophy (PMID: 11734544); Canonical splice site variant predicted to result in an in-frame loss of the adjacent exon in a gene for which loss of function is a known mechanism of disease; This variant is associated with the following publications: (PMID: 34426522, 31589614, 29754767, 11734544, 34308104, 36845387, 36113475)

Baylor Genetics
Classification: Pathogenic for Cerebrooculofacioskeletal syndrome 2. Last evaluated: 2024-03-27. Review status: criteria provided, single submitter. Criteria: ACMG Guidelines, 2015. Collection method: clinical testing. Allele origin: unknown.

CeGaT Center for Human Genetics Tuebingen
Classification: Likely pathogenic. Last evaluated: 2023-09-01. Review status: criteria provided, single submitter. Criteria: CeGaT Center For Human Genetics Tuebingen Variant Classification Criteria Version 2. Collection method: clinical testing. Allele origin: germline. Affected: yes. Observed: 3 variant alleles.
Comment: ERCC2: PVS1, PS4:Supporting

Blueprint Genetics
Classification: Likely pathogenic for ERCC2-related disorders. Last evaluated: 2023-05-23. Review status: criteria provided, single submitter. Criteria: ACMG Guidelines, 2015. Collection method: clinical testing. Allele origin: germline. Affected: yes. Observed: 3 variant alleles.

Women's Health and Genetics/Laboratory Corporation of America, LabCorp
Classification: Pathogenic for Xeroderma pigmentosum. Last evaluated: 2023-02-20. Review status: criteria provided, single submitter. Criteria: LabCorp Variant Classification Summary - May 2015. Collection method: clinical testing. Allele origin: germline.
Comment: Variant summary: ERCC2 c.594+2_594+5delTGAG is located in a canonical splice-site and is predicted to affect mRNA splicing resulting in a significantly altered protein due to either exon skipping, shortening, or inclusion of intronic material. Several computational tools predict a significant impact on normal splicing: Two predict the variant abolishes a 5 splicing donor site. Four predict the variant creates a cryptic 3 acceptor site. At least one publication reports experimental evidence that this variant affects mRNA splicing (Punj_2018). The variant allele was found at a frequency of 7.6e-05 in 250738 control chromosomes (gnomAD). This frequency is not significantly higher than estimated for a pathogenic variant in ERCC2 causing Xeroderma Pigmentosum (7.6e-05 vs 0.00061), allowing no conclusion about variant significance. c.594+2_594+5delTGAG has been reported in the literature in individuals affected with Xeroderma Pigmentosum or Trichothiodystrophy, Acute lymphoblastic leukemia case, Hodgkin lymphoma (Mixed Cellularity), and Lung cancer (Viprakasit_2001, Punj_2018, Kim_2021, Mukherjee_2022). These data indicate that the variant is very likely to be associated with disease. Six ClinVar submitter (evaluation after 2014) cites this variant as pathogenic (n=1) and likely pathogenic (n=5). Based on the evidence outlined above, the variant was classified as pathogenic.

Victorian Clinical Genetics Services, Murdoch Childrens Research Institute
Classification: Likely pathogenic for Xeroderma pigmentosum, group D. Last evaluated: 2021-05-06. Review status: criteria provided, single submitter. Criteria: ACMG Guidelines, 2015. Collection method: clinical testing. Allele origin: germline. Inheritance: Autosomal recessive inheritance. Affected: yes.
Comment: Based on the classification scheme VCGS_Germline_v1.3.3, this variant is classified as Likely Pathogenic. Following criteria are met: 0102 - Loss of function is a known mechanism of disease in this gene and is associated with xeroderma pigmentosum, group D (MIM#278730). (I) 0106 - This gene is associated with autosomal recessive disease. (I) 0211 - Canonical splice site variant without proven consequence on splicing (no functional evidence available). (SP) 0251 - This variant is heterozygous. (I) 0304 - Variant is present in gnomAD (v2) <0.01 for a recessive condition (21 heterozygotes, 0 homozygotes). (SP) 0505 - Abnormal splicing is predicted by in silico tools and affected nucleotides are highly conserved. (SP) 0705 - No comparable canonical splice site variants have previous evidence for pathogenicity. (I) 0801 - This variant has strong previous evidence of pathogenicity in unrelated individuals. The variant has previously been reported as likely pathogenic in at least 5 individuals in relation to photosensitive trichothiodystrophy 1 (MIM#601675) and xeroderma pigmentosum, group D (MIM#278730) (ClinVar, HGMD, PMID: 11734544). (SP) 0905 - No published segregation evidence has been identified for this variant. (I) 1007 - No published functional evidence has been identified for this variant. (I) 1102 - Strong phenotype match for this individual. (SP) 1201 - Heterozygous variant detected in trans with a second likely pathogenic heterozygous variant (NM_000400.3(ERCC2): c.2047C>T; p.(Arg683Trp)) in a recessive disease. (I) Legend: (SP) - Supporting pathogenic, (I) - Information, (SB) - Supporting benign

Eurofins Ntd Llc (ga)
Classification: Likely pathogenic. Last evaluated: 2016-11-30. Review status: criteria provided, single submitter. Criteria: EGL Classification Definitions 2015. Collection method: clinical testing. Allele origin: germline.

Knight Diagnostic Laboratories, Oregon Health and Sciences University
Classification: Likely pathogenic for Trichothiodystrophy 1, photosensitive. Last evaluated: 2015-12-04. Review status: criteria provided, single submitter. Criteria: ACMG Guidelines, 2015. Collection method: clinical testing. Allele origin: germline. Affected: no. Study: CSER-NextGen.
Comment: The c.594+2_594+5delTGAG splice-donor variant in the ERCC2 gene has not been previously reported. The affected individual was heterozygous for the splice-donor variant but also harbored a missense variant of unknown significance in the ERCC2 gene (Viprakasit et al., 2001). Although missense variants are a common mechanism for disease, loss of function variants have been reported in individuals affected with Xeroderma Pigmentosum. The c.594+2_594+5delTGAG splice-donor variant is present at a very low frequency in the three control population databases (Exome Sequencing Project [ESP], 1000 Genomes, and ExAc). Computational algorithms predict evolutionary conservation at this locus and a loss of the splice-donor site resulting in intron retention and introduction of a premature termination codon. In summary, this collective evidence supports the provisional classification of the c.594+2_594+5delTGAG variant as Likely Pathogenic

Juno Genomics, Hangzhou Juno Genomics, Inc
Classification: Likely pathogenic for Cerebrooculofacioskeletal syndrome 2; Trichothiodystrophy 1, photosensitive; Xeroderma pigmentosum, group D. Review status: criteria provided, single submitter. Criteria: ACMG Guidelines, 2015. Collection method: clinical testing. Allele origin: germline.
Comment: Absent from controls (or at extremely low frequency if recessive) in Genome Aggregation Database.;Null variant in a gene where loss of function (LOF) is a known mechanism of disease.;For recessive disorders, detected in trans with a pathogenic variant.

Knight Diagnostic Laboratories, Oregon Health and Sciences University
Classification: Likely pathogenic for Xeroderma pigmentosum, group D. Last evaluated: 2015-12-04. Review status: no assertion criteria provided. Criteria: ACMG Guidelines, 2015. Collection method: clinical testing. Allele origin: germline. Affected: no. Study: CSER-NextGen. Not counted in ClinVar's aggregate classification.

Literature cited by the submitters: PubMed 16199547 (cited by Labcorp Genetics (formerly Invitae), Labcorp); PubMed 9238033 (cited by Labcorp Genetics (formerly Invitae), Labcorp); PubMed 11335038 (cited by Labcorp Genetics (formerly Invitae), Labcorp); PubMed 19085937 (cited by Labcorp Genetics (formerly Invitae), Labcorp); PubMed 19934020 (cited by Labcorp Genetics (formerly Invitae), Labcorp); PubMed 11734544 (cited by 3 submitters); PubMed 35477182 (cited by Women's Health and Genetics/Laboratory Corporation of America, LabCorp); PubMed 34308104 (cited by Women's Health and Genetics/Laboratory Corporation of America, LabCorp); PubMed 29754767 (cited by Women's Health and Genetics/Laboratory Corporation of America, LabCorp); PubMed 36033485 (cited by Women's Health and Genetics/Laboratory Corporation of America, LabCorp).